The following is an entry in ClinVar:

NM_006096.4(NDRG1):c.-19+14C>G

Gene: NDRG1 (N-myc downstream regulated 1; minus strand). Cytogenetic location: 8q24.22.
Variant type: single nucleotide variant.
Coding change: c.-19+14C>G on transcript NM_006096.4 (MANE Select); 14 bases into the intron after 19 bases upstream of the start codon, C replaced by G.
Molecular consequence: intron variant. On other transcripts: 5 prime UTR variant (2).
Genome position (GRCh38, 1-based): chr8:133,297,120, G>C on the plus strand (C>G on the coding strand, the complement: NDRG1 is on the minus strand). VCF-style: chr8-133297120-G-C. GRCh37 (hg19) VCF-style: chr8-134309363-G-C.
Other names: c.-402C>G (NM_001135242.2); c.-135C>G (NM_001374845.1); c.-100+14C>G (NM_001258432.2); c.-136+14C>G (NM_001374847.1); c.-156+14C>G (NM_001258433.2); c.-19+14C>G (NM_001374844.1).
Identifiers: ClinVar variation 362043 (VCV000362043.5), dbSNP rs886062716, ClinGen allele CA10624886.

ClinVar aggregate classification (germline): Conflicting classifications of pathogenicity. Review status: criteria provided, conflicting classifications (1 of 4 stars). 2 submissions from 2 submitters: Uncertain significance (1); Benign (1). Last evaluated 2018-01-12.

Conditions:
Charcot-Marie-Tooth disease type 4D. Also called: CHARCOT-MARIE-TOOTH DISEASE, DEMYELINATING, AUTOSOMAL RECESSIVE, TYPE 4D; NEUROPATHY, HEREDITARY MOTOR AND SENSORY, LOM TYPE; Charcot-Marie-Tooth Neuropathy Type 4D; CHARCOT-MARIE-TOOTH DISEASE, DEMYELINATING, TYPE 4D. Identifiers: Orphanet 99950, MedGen C1832334, MONDO:0011085, OMIM 601455.

Allele frequency attached by ClinVar (database versions not stated): gnomAD 0.00027 and 0.00029; TOPMed 0.00043.

Submissions (2):

Illumina Laboratory Services, Illumina
Classification: Uncertain significance for Charcot-Marie-Tooth disease type 4D. Last evaluated: 2018-01-12. Review status: criteria provided, single submitter. Criteria: ICSL Variant Classification Criteria 13 December 2019. Collection method: clinical testing. Allele origin: germline.

GeneDx
Classification: Benign. Last evaluated: 2015-07-31. Review status: criteria provided, single submitter. Criteria: GeneDx Variant Classification (06012015). Collection method: clinical testing. Allele origin: germline. Affected: yes.
Comment: This variant is considered likely benign or benign based on one or more of the following criteria: it is a conservative change, it occurs at a poorly conserved position in the protein, it is predicted to be benign by multiple in silico algorithms, and/or has population frequency not consistent with disease.